The following is an entry in ClinVar:

ClinVar aggregate classification (germline): Uncertain significance. Review status: criteria provided, multiple submitters, no conflicts (2 of 4 stars). 3 submissions from 3 submitters: Uncertain significance (3). Last evaluated 2025-08-23.

Conditions:
Meier-Gorlin syndrome 5 (MGORS5). Identifiers: Orphanet 2554, MedGen C3151126, MONDO:0013432, OMIM 613805.

Allele frequency attached by ClinVar (database versions not stated): gnomAD exomes 0.00005; ExAC 0.00007; TOPMed 0.00011; ESP Exome Variant Server 0.00015; 1000 Genomes Project 0.00060; 1000 Genomes Project 30x 0.00062.
gnomAD v4.1: 72 of 1,613,448 alleles (0.0045%); highest among the groups gnomAD compares: African/African-American, 0.08%; no homozygotes.

Submissions (3):

Ambry Genetics
Classification: Uncertain significance. Last evaluated: 2025-08-23. Review status: criteria provided, single submitter. Criteria: Ambry Variant Classification Scheme 2023. Collection method: clinical testing. Allele origin: germline.

Labcorp Genetics (formerly Invitae), Labcorp
Classification: Uncertain significance. Last evaluated: 2025-03-19. Review status: criteria provided, single submitter. Criteria: Invitae Variant Classification Sherloc (09022015). Collection method: clinical testing. Allele origin: germline.
Comment: This sequence change replaces arginine, which is basic and polar, with histidine, which is basic and polar, at codon 378 of the CDC6 protein (p.Arg378His). This variant is present in population databases (rs4135016, gnomAD 0.07%), and has an allele count higher than expected for a pathogenic variant. This variant has not been reported in the literature in individuals affected with CDC6-related conditions. ClinVar contains an entry for this variant (Variation ID: 889771). An algorithm developed to predict the effect of missense changes on protein structure and function (PolyPhen-2) suggests that this variant is likely to be disruptive. In summary, the available evidence is currently insufficient to determine the role of this variant in disease. Therefore, it has been classified as a Variant of Uncertain Significance.

Illumina Laboratory Services, Illumina
Classification: Uncertain significance for Meier-Gorlin syndrome 5. Last evaluated: 2018-01-12. Review status: criteria provided, single submitter. Criteria: ICSL Variant Classification Criteria 13 December 2019. Collection method: clinical testing. Allele origin: germline.

NM_001254.4(CDC6):c.1133G>A (p.Arg378His)

Gene: CDC6 (cell division cycle 6; plus strand). Cytogenetic location: 17q21.2.
Variant type: single nucleotide variant.
Coding change: c.1133G>A on transcript NM_001254.4 (MANE Select); coding-DNA position 1133, G replaced by A.
Protein change: p.Arg378His; replaces arginine 378 with histidine.
Molecular consequence: missense variant.
Genome position (GRCh38, 1-based): chr17:40,295,405, G>A. VCF-style: chr17-40295405-G-A. GRCh37 (hg19) VCF-style: chr17-38451657-G-A.
Other names: short protein forms R378H.
Identifiers: ClinVar variation 889771 (VCV000889771.8), dbSNP rs4135016, ClinGen allele CA8542058.